The following is an entry in ClinVar:

NM_001102564.3(IFT43):c.369-8del

Gene: IFT43 (intraflagellar transport 43; plus strand). Cytogenetic location: 14q24.3.
Variant type: Deletion.
Coding change: c.369-8del on transcript NM_001102564.3 (MANE Select); 8 bases into the intron before coding-DNA position 369, one base deleted (T; older notation c.369-8delT).
Molecular consequence: intron variant.
Genome position (GRCh38, 1-based): chr14:76,082,609, T deleted; the last of 3 consecutive T bases (chr14:76,082,607-76,082,609); deleting any one gives the same sequence. VCF-style (leftmost placement, unchanged base first): chr14-76082606-CT-C. GRCh37 (hg19) VCF-style: chr14-76548949-CT-C.
Other names: c.384-8del (NM_052873.2, NM_052873.3).
Identifiers: ClinVar variation 745875 (VCV000745875.12), dbSNP rs536027245, ClinGen allele CA7280873.

ClinVar aggregate classification (germline): Benign/Likely benign. Review status: criteria provided, multiple submitters, no conflicts (2 of 4 stars). 3 submissions from 3 submitters: Benign (1); Likely benign (1). 1 of the submissions does not count toward it. Last evaluated 2026-01-01.

Conditions:
Cranioectodermal dysplasia 3 (CED3). Identifiers: Orphanet 1515, MedGen C3279807, MONDO:0013573, OMIM 614099.
Short-rib thoracic dysplasia 18 with polydactyly. Identifiers: MedGen C4693420, MONDO:0036483, OMIM 617866.
Retinitis pigmentosa 81 (RP81). Identifiers: MedGen C4693443, MONDO:0036482, OMIM 617871.
IFT43-related disorder. Also called: IFT43-related condition.

Submissions (3):

Labcorp Genetics (formerly Invitae), Labcorp
Classification: Benign. Last evaluated: 2026-01-01. Review status: criteria provided, single submitter. Criteria: Invitae Variant Classification Sherloc (09022015). Collection method: clinical testing. Allele origin: germline.

Fulgent Genetics
Classification: Likely benign for Cranioectodermal dysplasia 3; Short-rib thoracic dysplasia 18 with polydactyly; Retinitis pigmentosa 81. Last evaluated: 2021-10-02. Review status: criteria provided, single submitter. Criteria: ACMG Guidelines, 2015. Collection method: clinical testing. Allele origin: unknown.

PreventionGenetics, part of Exact Sciences
Classification: Benign for IFT43-related condition. Last evaluated: 2019-08-01. Review status: no assertion criteria provided. Collection method: clinical testing. Allele origin: germline. Not counted in ClinVar's aggregate classification.
Comment: This variant is classified as benign based on ACMG/AMP sequence variant interpretation guidelines (Richards et al. 2015 PMID: 25741868, with internal and published modifications).